The following is an entry in ClinVar:

ClinVar aggregate classification (germline): Likely benign (0 of 4 stars; one submission).

Conditions:
HDAC4-related disorder. Also called: HDAC4-related condition.

gnomAD v4.1: 26 of 1,614,094 alleles (0.0016%); highest among the groups gnomAD compares: Middle Eastern, 0.016%; no homozygotes.

Submission:

PreventionGenetics, part of Exact Sciences
Classification: Likely benign for HDAC4-related condition. Last evaluated: 2024-07-18. Review status: no assertion criteria provided. Collection method: clinical testing. Allele origin: germline.
Comment: This variant is classified as likely benign based on ACMG/AMP sequence variant interpretation guidelines (Richards et al. 2015 PMID: 25741868, with internal and published modifications).

NM_001378414.1(HDAC4):c.3261G>A (p.Pro1087=)

Gene: HDAC4 (histone deacetylase 4; minus strand). Cytogenetic location: 2q37.3.
Variant type: single nucleotide variant.
Coding change: c.3261G>A on transcript NM_001378414.1 (MANE Select); coding-DNA position 3261, G replaced by A.
Protein change: p.Pro1087=; no amino-acid change (proline 1087 retained).
Molecular consequence: synonymous variant.
Genome position (GRCh38, 1-based): chr2:239,053,106, C>T on the plus strand (G>A on the coding strand, the complement: HDAC4 is on the minus strand). VCF-style: chr2-239053106-C-T. GRCh37 (hg19) VCF-style: chr2-239974802-C-T.
Other names: c.3261G>A, p.Pro1087= (NM_001378415.1); c.3246G>A, p.Pro1082= (NM_001378416.1, NM_001378417.1, NM_006037.4).
Identifiers: ClinVar variation 3353017 (VCV003353017.1).